The following is an entry in ClinVar:

ClinVar aggregate classification (germline): Conflicting classifications of pathogenicity. Review status: criteria provided, conflicting classifications (1 of 4 stars). 2 submissions from 2 submitters: Uncertain significance (1); Likely benign (1). Last evaluated 2024-01-01.

Allele frequency attached by ClinVar (database versions not stated): gnomAD exomes 0.00002; TOPMed 0.00002; gnomAD 0.00003.
gnomAD v4.1: 40 of 1,613,618 alleles (0.0025%); highest among the groups gnomAD compares: East Asian, 0.025%; no homozygotes.

Submissions (2):

CeGaT Center for Human Genetics Tuebingen
Classification: Likely benign. Last evaluated: 2024-01-01. Review status: criteria provided, single submitter. Criteria: CeGaT Center For Human Genetics Tuebingen Variant Classification Criteria Version 2. Collection method: clinical testing. Allele origin: germline. Affected: yes. Observed: 1 variant allele.
Comment: DCTN2: BP4

Ambry Genetics
Classification: Uncertain significance. Last evaluated: 2023-09-21. Review status: criteria provided, single submitter. Criteria: Ambry Variant Classification Scheme 2023. Collection method: clinical testing. Allele origin: germline.

NM_001261413.2(DCTN2):c.1135C>T (p.Arg379Cys)

Genes: DCTN2 (dynactin subunit 2; minus strand), MBD6 (methyl-CpG binding domain protein 6; plus strand). Cytogenetic location: 12q13.3.
Variant type: single nucleotide variant.
Coding change: c.1135C>T on transcript NM_001261413.2 (MANE Select); coding-DNA position 1135, C replaced by T.
Protein change: p.Arg379Cys; replaces arginine 379 with cysteine.
Molecular consequence: missense variant. On other transcripts: non-coding transcript variant (1).
Genome position (GRCh38, 1-based): chr12:57,530,760, G>A on the plus strand (C>T on the coding strand, the complement: DCTN2 is on the minus strand). VCF-style: chr12-57530760-G-A. GRCh37 (hg19) VCF-style: chr12-57924543-G-A.
Other names: c.1141C>T, p.Arg381Cys (NM_001261412.2); c.1270C>T, p.Arg424Cys (NM_001348065.2); c.1066C>T, p.Arg356Cys (NM_001348066.2); c.874C>T, p.Arg292Cys (NM_001348067.2, NM_001348068.2); c.1150C>T, p.Arg384Cys (NM_006400.5); c.1150C>T (NM_006400.3); short protein forms R292C, R356C, R379C, R381C, R384C, R424C.
Identifiers: ClinVar variation 3025379 (VCV003025379.23), dbSNP rs772327011, ClinGen allele CA6652038.